The following is an entry in ClinVar:

ClinVar aggregate classification (germline): Uncertain significance (1 of 4 stars; one submission).

Conditions:
Inborn genetic diseases. Identifiers: MedGen C0950123, MeSH D030342.

Submission:

Ambry Genetics
Classification: Uncertain significance for Inborn genetic diseases. Last evaluated: 2024-10-04. Review status: criteria provided, single submitter. Criteria: Ambry Variant Classification Scheme 2023. Collection method: clinical testing. Allele origin: germline.
Comment: The p.K251T variant (also known as c.752A>C), located in coding exon 7 of the ANKRD26 gene, results from an A to C substitution at nucleotide position 752. The lysine at codon 251 is replaced by threonine, an amino acid with similar properties. This amino acid position is conserved. In addition, this alteration is predicted to be tolerated by in silico analysis. Based on the available evidence, the clinical significance of this variant remains unclear.

NM_014915.3(ANKRD26):c.752A>C (p.Lys251Thr)

Gene: ANKRD26 (ankyrin repeat domain containing 26; minus strand). Cytogenetic location: 10p12.1.
Variant type: single nucleotide variant.
Coding change: c.752A>C on transcript NM_014915.3 (MANE Select); coding-DNA position 752, A replaced by C.
Protein change: p.Lys251Thr; replaces lysine 251 with threonine.
Molecular consequence: missense variant.
Genome position (GRCh38, 1-based): chr10:27,079,150, T>G on the plus strand (A>C on the coding strand, the complement: ANKRD26 is on the minus strand). VCF-style: chr10-27079150-T-G. GRCh37 (hg19) VCF-style: chr10-27368079-T-G.
Other names: c.752A>C, p.Lys251Thr (NM_001256053.2); short protein forms K251T.
Identifiers: ClinVar variation 3396522 (VCV003396522.1).